The following is an entry in ClinVar:

NM_013266.4(CTNNA3):c.2134A>G (p.Met712Val)

Gene: CTNNA3 (catenin alpha 3; minus strand). Cytogenetic location: 10q21.3.
Variant type: single nucleotide variant.
Coding change: c.2134A>G on transcript NM_013266.4 (MANE Select); coding-DNA position 2134, A replaced by G.
Protein change: p.Met712Val; replaces methionine 712 with valine.
Molecular consequence: missense variant.
Genome position (GRCh38, 1-based): chr10:66,069,333, T>C on the plus strand (A>G on the coding strand, the complement: CTNNA3 is on the minus strand). VCF-style: chr10-66069333-T-C. GRCh37 (hg19) VCF-style: chr10-67829091-T-C.
Other names: c.2134A>G, p.Met712Val (NM_001127384.3); short protein forms M712V.
Identifiers: ClinVar variation 1438160 (VCV001438160.6), dbSNP rs1055129880, ClinGen allele CA208966599.

ClinVar aggregate classification (germline): Uncertain significance (1 of 4 stars; one submission).

Conditions:
Arrhythmogenic right ventricular dysplasia 13. Also called: Arrhythmogenic right ventricular dysplasia, familial, 13; ARRHYTHMOGENIC RIGHT VENTRICULAR CARDIOMYOPATHY 13. Identifiers: MedGen C3810138, MONDO:0000908, OMIM 615616.

gnomAD v4.1: 2 of 1,613,556 alleles (0.00012%); highest among the groups gnomAD compares: Non-Finnish European, 0.000085%; no homozygotes.

Submission:

Labcorp Genetics (formerly Invitae), Labcorp
Classification: Uncertain significance for Arrhythmogenic right ventricular dysplasia 13. Last evaluated: 2021-10-23. Review status: criteria provided, single submitter. Criteria: Invitae Variant Classification Sherloc (09022015). Collection method: clinical testing. Allele origin: germline.
Comment: Algorithms developed to predict the effect of missense changes on protein structure and function are either unavailable or do not agree on the potential impact of this missense change (SIFT: "Deleterious"; PolyPhen-2: "Not Available"; Align-GVGD: "Class C0"). In summary, the available evidence is currently insufficient to determine the role of this variant in disease. Therefore, it has been classified as a Variant of Uncertain Significance. This variant has not been reported in the literature in individuals affected with CTNNA3-related conditions. This variant is not present in population databases (ExAC no frequency). This sequence change replaces methionine with valine at codon 712 of the CTNNA3 protein (p.Met712Val). The methionine residue is highly conserved and there is a small physicochemical difference between methionine and valine.